The following is an entry in ClinVar:

ClinVar aggregate classification (germline): Pathogenic/Likely pathogenic. Review status: criteria provided, multiple submitters, no conflicts (2 of 4 stars). 5 submissions from 5 submitters: Pathogenic (3); Likely pathogenic (1). 1 of the submissions does not count toward it. Last evaluated 2024-07-08.

Conditions:
Spondyloepiphyseal dysplasia, Stanescu type. Also called: SED, STANESCU TYPE; SPONDYLOEPIMETAPHYSEAL DYSPLASIA, STANESCU TYPE. Identifiers: Orphanet 459051, MedGen C4225273, MONDO:0014701, OMIM 616583.

Submissions (5):

Labcorp Genetics (formerly Invitae), Labcorp
Classification: Pathogenic. Last evaluated: 2024-07-08. Review status: criteria provided, single submitter. Criteria: Invitae Variant Classification Sherloc (09022015). Collection method: clinical testing. Allele origin: germline.
Comment: This sequence change replaces glycine, which is neutral and non-polar, with serine, which is neutral and polar, at codon 516 of the COL2A1 protein (p.Gly516Ser). This variant is not present in population databases (gnomAD no frequency). This missense change has been observed in individual(s) with autosomal dominant COL2A1-related conditions (PMID: 35574990, 35627109; Invitae). ClinVar contains an entry for this variant (Variation ID: 280745). Advanced modeling of protein sequence and biophysical properties (such as structural, functional, and spatial information, amino acid conservation, physicochemical variation, residue mobility, and thermodynamic stability) performed at Invitae indicates that this missense variant is expected to disrupt COL2A1 protein function with a positive predictive value of 95%. This variant disrupts the triple helix domain of COL2A1. Glycine residues within the Gly-Xaa-Yaa repeats of the triple helix domain are required for the structure and stability of fibrillar collagens (PMID: 7695699, 8218237, 19344236). In COL2A1, variants affecting these glycine residues are significantly enriched in individuals with disease (PMID: 9016532, 17078022) compared to the general population (ExAC). This variant disrupts the p.Gly516 amino acid residue in COL2A1. Other variant(s) that disrupt this residue have been observed in individuals with COL2A1-related conditions (PMID: 15054848, 34529350; Invitae), which suggests that this may be a clinically significant amino acid residue. For these reasons, this variant has been classified as Pathogenic.

3billion
Classification: Pathogenic for Spondyloepiphyseal dysplasia, Stanescu type. Last evaluated: 2023-09-20. Review status: criteria provided, single submitter. Criteria: ACMG Guidelines, 2015. Collection method: clinical testing. Allele origin: germline. Affected: yes.
Comment: The variant is not observed in the gnomAD v2.1.1 dataset. Predicted Consequence/Location: Missense changes are a common disease-causing mechanism. In silico tool predictions suggest damaging effect of the variant on gene or gene product [REVEL: 0.99 (>=0.6, sensitivity 0.68 and specificity 0.92); 3Cnet: 1.00 (>=0.6, sensitivity 0.72 and precision 0.9)]. Same nucleotide change resulting in same amino acid change has been previously reported as pathogenic/likely pathogenic with strong evidence (ClinVar ID: VCV000280745 /PMID: 35627109).The variant has been previously reported as assumed (i.e. paternity and maternity not confirmed) de novo in at least one similarly affected unrelated individual (PMID: 35627109).Different missense changes at the same codon (p.Gly516Ala, p.Gly516Asp) have been reported to be associated with COL2A1 related disorder (ClinVar ID: VCV000017388 /PMID: 15054848, 34529350). Therefore, this variant is classified as Pathogenic according to the recommendation of ACMG/AMP guideline.

GeneDx
Classification: Pathogenic. Last evaluated: 2022-06-06. Review status: criteria provided, single submitter. Criteria: GeneDx Variant Classification Process June 2021. Collection method: clinical testing. Allele origin: germline. Affected: yes.
Comment: Occurs in the triple helical domain and replaces the glycine in the canonical GlyX-Y repeat; missense substitution of a canonical glycine residue is expected to disrupt normal protein folding and function, and this is an established mechanism of disease (HGMD); Not observed at significant frequency in large population cohorts (gnomAD); In silico analysis supports that this missense variant has a deleterious effect on protein structure/function; This variant is associated with the following publications: (PMID: 35574990, 35627109)

Institute of Medical Genetics and Applied Genomics, University Hospital Tübingen
Classification: Likely pathogenic. Last evaluated: 2020-10-23. Review status: criteria provided, single submitter. Criteria: ACMG Guidelines, 2015. Collection method: clinical testing. Allele origin: germline. Inheritance: Autosomal unknown. Affected: yes.

Institute Of Reproduction And Development, Obstetrics and Gynecology Hospital, Fudan University
Classification: Likely pathogenic. Last evaluated: 2021-09-30. Review status: no assertion criteria provided. Collection method: research. Allele origin: germline. Affected: yes. Not counted in ClinVar's aggregate classification.

Literature cited by the submitters: PubMed 35574990 (cited by Labcorp Genetics (formerly Invitae), Labcorp); PubMed 35627109 (cited by Labcorp Genetics (formerly Invitae), Labcorp and 3billion); PubMed 7695699 (cited by Labcorp Genetics (formerly Invitae), Labcorp); PubMed 8218237 (cited by Labcorp Genetics (formerly Invitae), Labcorp); PubMed 19344236 (cited by Labcorp Genetics (formerly Invitae), Labcorp); PubMed 9016532 (cited by Labcorp Genetics (formerly Invitae), Labcorp); PubMed 17078022 (cited by Labcorp Genetics (formerly Invitae), Labcorp); PubMed 15054848 (cited by Labcorp Genetics (formerly Invitae), Labcorp and 3billion); PubMed 34529350 (cited by Labcorp Genetics (formerly Invitae), Labcorp).

NM_001844.5(COL2A1):c.1546G>A (p.Gly516Ser)

Gene: COL2A1 (collagen type II alpha 1 chain; minus strand). Cytogenetic location: 12q13.11.
Variant type: single nucleotide variant.
Coding change: c.1546G>A on transcript NM_001844.5 (MANE Select); coding-DNA position 1546, G replaced by A.
Protein change: p.Gly516Ser; replaces glycine 516 with serine.
Molecular consequence: missense variant.
Genome position (GRCh38, 1-based): chr12:47,985,947, C>T on the plus strand (G>A on the coding strand, the complement: COL2A1 is on the minus strand). VCF-style: chr12-47985947-C-T. GRCh37 (hg19) VCF-style: chr12-48379730-C-T.
Other names: c.1339G>A, p.Gly447Ser (NM_033150.3); short protein forms G516S, G447S.
Identifiers: ClinVar variation 280745 (VCV000280745.14), dbSNP rs886041895, ClinGen allele CA10603265.